The following is an entry in ClinVar:

NM_005592.4(MUSK):c.1556G>A (p.Arg519Gln)

Gene: MUSK (muscle associated receptor tyrosine kinase; plus strand). Cytogenetic location: 9q31.3.
Variant type: single nucleotide variant.
Coding change: c.1556G>A on transcript NM_005592.4 (MANE Select); coding-DNA position 1556, G replaced by A.
Protein change: p.Arg519Gln; replaces arginine 519 with glutamine.
Molecular consequence: missense variant.
Genome position (GRCh38, 1-based): chr9:110,784,986, G>A. VCF-style: chr9-110784986-G-A. GRCh37 (hg19) VCF-style: chr9-113547266-G-A.
Other names: c.1298G>A, p.Arg433Gln (NM_001166280.2); c.1268G>A, p.Arg423Gln (NM_001166281.2); c.296G>A, p.Arg99Gln (NM_001369398.1); c.1556G>A (NM_005592.3); short protein forms R423Q, R433Q, R519Q, R99Q.
Identifiers: ClinVar variation 1020808 (VCV001020808.5), dbSNP rs773818596, ClinGen allele CA5184390.

ClinVar aggregate classification (germline): Uncertain significance. Review status: criteria provided, multiple submitters, no conflicts (2 of 4 stars). 2 submissions from 2 submitters: Uncertain significance (2). Last evaluated 2024-05-07.

Conditions:
Congenital myasthenic syndrome 9. Also called: Myasthenic syndrome, congenital, 9, associated with acetylcholine receptor deficiency. Identifiers: Orphanet 590, MedGen C4225368, MONDO:0014587, OMIM 616325.
Fetal akinesia deformation sequence 1 (FADS1). Also called: Fetal akinesia sequence; Pena-Shokeir syndrome type I. Identifiers: Orphanet 994, MedGen C1276035, MONDO:0100101, OMIM 208150, HP:0001989.
Inborn genetic diseases. Identifiers: MedGen C0950123, MeSH D030342.

Allele frequency attached by ClinVar (database versions not stated): gnomAD exomes below 0.00001 and 0.00001; ExAC 0.00001; gnomAD 0.00001; TOPMed 0.00003.
gnomAD v4.1: 11 of 1,613,574 alleles (0.00068%); highest among the groups gnomAD compares: East Asian, 0.0045%; no homozygotes.

Submissions (2):

Ambry Genetics
Classification: Uncertain significance for Inborn genetic diseases. Last evaluated: 2024-05-07. Review status: criteria provided, single submitter. Criteria: Ambry Variant Classification Scheme 2023. Collection method: clinical testing. Allele origin: germline.

Labcorp Genetics (formerly Invitae), Labcorp
Classification: Uncertain significance for Congenital myasthenic syndrome 9; Fetal akinesia deformation sequence 1. Last evaluated: 2022-07-05. Review status: criteria provided, single submitter. Criteria: Invitae Variant Classification Sherloc (09022015). Collection method: clinical testing. Allele origin: germline.
Comment: This sequence change replaces arginine, which is basic and polar, with glutamine, which is neutral and polar, at codon 519 of the MUSK protein (p.Arg519Gln). This variant is present in population databases (rs773818596, gnomAD 0.005%). This variant has not been reported in the literature in individuals affected with MUSK-related conditions. ClinVar contains an entry for this variant (Variation ID: 1020808). Advanced modeling of protein sequence and biophysical properties (such as structural, functional, and spatial information, amino acid conservation, physicochemical variation, residue mobility, and thermodynamic stability) performed at Invitae indicates that this missense variant is not expected to disrupt MUSK protein function. In summary, the available evidence is currently insufficient to determine the role of this variant in disease. Therefore, it has been classified as a Variant of Uncertain Significance.